The following is an entry in ClinVar:

NM_007254.4(PNKP):c.14A>G (p.Glu5Gly)

Gene: PNKP (polynucleotide kinase 3'-phosphatase; minus strand). Cytogenetic location: 19q13.33.
Variant type: single nucleotide variant.
Coding change: c.14A>G on transcript NM_007254.4 (MANE Select); coding-DNA position 14, A replaced by G.
Protein change: p.Glu5Gly; replaces glutamic acid 5 with glycine.
Molecular consequence: missense variant.
Genome position (GRCh38, 1-based): chr19:49,867,191, T>C on the plus strand (A>G on the coding strand, the complement: PNKP is on the minus strand). VCF-style: chr19-49867191-T-C. GRCh37 (hg19) VCF-style: chr19-50370448-T-C.
Other names: p.Glu5Gly; short protein forms E5G.
Identifiers: ClinVar variation 955134 (VCV000955134.9), dbSNP rs1278449939, ClinGen allele CA406893938.
Genomic context (GRCh38, chr19:49,867,191, plus strand): 5'-GGCAGGAAGATGGGGGGCGCTCCCCCAGGGGGGCTCTCGAGCCACAAGCGGCCCGGGGCC[T>C]CCACCTCGCCCATCCTGGGTGCCGGCCTGGGGAGCAGGTAAACGGGCTTGAGCGGCGCAC-3'
Protein context (NP_009185.2, residues 1-15): MGEV[Glu5Gly]APGRLWLESP

ClinVar aggregate classification (germline): Uncertain significance. Review status: criteria provided, multiple submitters, no conflicts (2 of 4 stars). 3 submissions from 3 submitters: Uncertain significance (3). Last evaluated 2024-10-14.

Conditions:
Developmental and epileptic encephalopathy, 12 (DEE12). Identifiers: MedGen C3150988, MONDO:0013389, OMIM 613722.

Allele frequency attached by ClinVar (database versions not stated): gnomAD exomes below 0.00001; TOPMed below 0.00001; gnomAD 0.00001.
gnomAD v4.1: 5 of 1,611,180 alleles (0.00031%); highest among the groups gnomAD compares: Middle Eastern, 0.017%; no homozygotes.

Submissions (3):

Mayo Clinic Laboratories, Mayo Clinic
Classification: Uncertain significance. Last evaluated: 2024-10-14. Review status: criteria provided, single submitter. Criteria: ACMG Guidelines, 2015. Collection method: clinical testing. Allele origin: germline. Observed: 1 variant allele.
Comment: BP4

Women's Health and Genetics/Laboratory Corporation of America, LabCorp
Classification: Uncertain significance. Last evaluated: 2024-08-26. Review status: criteria provided, single submitter. Criteria: LabCorp Variant Classification Summary - May 2015. Collection method: clinical testing. Allele origin: germline.
Comment: Variant summary: PNKP c.14A>G (p.Glu5Gly) results in a non-conservative amino acid change in the encoded protein sequence. Four of five in-silico tools predict a benign effect of the variant on protein function. The frequency data for this variant in gnomAD is considered unreliable, as metrics indicate poor data quality at this position. To our knowledge, no occurrence of c.14A>G in individuals affected with PNKP-Related Disorders and no experimental evidence demonstrating its impact on protein function have been reported. ClinVar contains an entry for this variant (Variation ID: 955134). Based on the evidence outlined above, the variant was classified as uncertain significance.

Labcorp Genetics (formerly Invitae), Labcorp
Classification: Uncertain significance for Developmental and epileptic encephalopathy, 12. Last evaluated: 2021-08-27. Review status: criteria provided, single submitter. Criteria: Invitae Variant Classification Sherloc (09022015). Collection method: clinical testing. Allele origin: germline.
Comment: This sequence change replaces glutamic acid with glycine at codon 5 of the PNKP protein (p.Glu5Gly). The glutamic acid residue is weakly conserved and there is a moderate physicochemical difference between glutamic acid and glycine. This variant is not present in population databases (ExAC no frequency). This variant has not been reported in the literature in individuals affected with PNKP-related conditions. Algorithms developed to predict the effect of missense changes on protein structure and function output the following: SIFT: "Tolerated"; PolyPhen-2: "Benign"; Align-GVGD: "Class C0". The glycine amino acid residue is found in multiple mammalian species, which suggests that this missense change does not adversely affect protein function. In summary, the available evidence is currently insufficient to determine the role of this variant in disease. Therefore, it has been classified as a Variant of Uncertain Significance.